The following is an entry in ClinVar:

ClinVar aggregate classification (germline): Uncertain significance (1 of 4 stars; one submission).

Conditions:
Hereditary cancer-predisposing syndrome. Also called: Neoplastic Syndromes, Hereditary; Tumor predisposition; Hereditary Cancer Syndrome; Hereditary neoplastic syndrome. Identifiers: Orphanet 140162, MedGen C0027672, MeSH D009386, MONDO:0015356.

gnomAD v4.1: 1 of 1,611,350 alleles (0.000062%); highest among the groups gnomAD compares: Non-Finnish European, 0.000085%; no homozygotes.

Submission:

Ambry Genetics
Classification: Uncertain significance for Hereditary cancer-predisposing syndrome. Last evaluated: 2025-10-13. Review status: criteria provided, single submitter. Criteria: Ambry Variant Classification Scheme 2023. Collection method: clinical testing. Allele origin: germline.
Comment: The p.D561Y variant (also known as c.1681G>T), located in coding exon 11 of the CTNNA1 gene, results from a G to T substitution at nucleotide position 1681. The aspartic acid at codon 561 is replaced by tyrosine, an amino acid with highly dissimilar properties. This amino acid position is conserved. In addition, this alteration is predicted to be deleterious by in silico analysis. Based on the available evidence, the clinical significance of this variant remains unclear.

NM_001903.5(CTNNA1):c.1681G>T (p.Asp561Tyr)

Gene: CTNNA1 (catenin alpha 1; plus strand). Cytogenetic location: 5q31.2.
Variant type: single nucleotide variant.
Coding change: c.1681G>T on transcript NM_001903.5 (MANE Select); coding-DNA position 1681, G replaced by T.
Protein change: p.Asp561Tyr; replaces aspartic acid 561 with tyrosine.
Molecular consequence: missense variant.
Genome position (GRCh38, 1-based): chr5:138,924,644, G>T. VCF-style: chr5-138924644-G-T. GRCh37 (hg19) VCF-style: chr5-138260333-G-T.
Other names: c.1312G>T, p.Asp438Tyr (NM_001290310.3); c.1681G>T, p.Asp561Tyr (NM_001290307.3, NM_001323982.2, NM_001323983.1 and 2 more transcripts); c.1372G>T, p.Asp458Tyr (NM_001290309.3); c.571G>T, p.Asp191Tyr (NM_001290312.1, NM_001323987.1, NM_001323988.1 and 17 more transcripts); c.1588G>T, p.Asp530Tyr (NM_001323986.2); c.232G>T, p.Asp78Tyr (NM_001324006.1, NM_001324007.1, NM_001324008.1 and 2 more transcripts); c.478G>T, p.Asp160Tyr (NM_001324011.1); c.328G>T, p.Asp110Tyr (NM_001324012.1, NM_001324013.1); short protein forms D110Y, D160Y, D191Y, D458Y, D530Y, D561Y, D78Y, D438Y.
Identifiers: ClinVar variation 4635449 (VCV004635449.1).